The following is an entry in ClinVar:

ClinVar aggregate classification (germline): Uncertain significance (1 of 4 stars; one submission).

Conditions:
Catecholaminergic polymorphic ventricular tachycardia (CVPT). Also called: Catecholamine-induced polymorphic ventricular tachycardia. Identifiers: Orphanet 3286, MedGen C5574922, MONDO:0017990.

gnomAD v4.1: 1 of 1,614,036 alleles (0.000062%); no homozygotes.

Submission:

All of Us Research Program, National Institutes of Health
Classification: Uncertain significance for Catecholaminergic polymorphic ventricular tachycardia. Last evaluated: 2024-07-29. Review status: criteria provided, single submitter. Criteria: ACMG Guidelines, 2015. Collection method: clinical testing. Allele origin: germline. Inheritance: Autosomal dominant inheritance. Observed: 1 variant allele, 1 heterozygote.
Comment: This missense variant replaces glutamic acid with aspartic acid at codon 1865 of the RYR2 protein. Computational prediction suggests that this variant may not impact protein structure and function (internally defined REVEL score threshold <= 0.5, PMID: 27666373). To our knowledge, functional studies have not been reported for this variant. This variant has not been reported in individuals affected with RYR2-related disorders in the literature. This variant has not been identified in the general population by the Genome Aggregation Database (gnomAD). The available evidence is insufficient to determine the role of this variant in disease conclusively. Therefore, this variant is classified as a Variant of Uncertain Significance.

This study involves interpretation of variants in research participants for the purpose of population health screening. Participant phenotype was not available at the time of variant classification. Additional details can be found in publication PMID: 35346344, PMCID: PMC8962531

NM_001035.3(RYR2):c.5595G>C (p.Glu1865Asp)

Gene: RYR2 (ryanodine receptor 2; plus strand). Cytogenetic location: 1q43.
Variant type: single nucleotide variant.
Coding change: c.5595G>C on transcript NM_001035.3 (MANE Select); coding-DNA position 5595, G replaced by C.
Protein change: p.Glu1865Asp; replaces glutamic acid 1865 with aspartic acid.
Molecular consequence: missense variant.
Genome position (GRCh38, 1-based): chr1:237,614,723, G>C. VCF-style: chr1-237614723-G-C. GRCh37 (hg19) VCF-style: chr1-237778023-G-C.
Other names: short protein forms E1865D.
Identifiers: ClinVar variation 3385740 (VCV003385740.1).